The following is an entry in ClinVar:

ClinVar aggregate classification (germline): Uncertain significance. Review status: criteria provided, multiple submitters, no conflicts (2 of 4 stars). 3 submissions from 3 submitters: Uncertain significance (3). Last evaluated 2022-10-17.

Conditions:
Neurodevelopmental disorder with or without hyperkinetic movements and seizures, autosomal dominant. Also called: Intellectual disability, autosomal dominant 8. Identifiers: MedGen C3280282, MONDO:0013655, OMIM 614254.

gnomAD v4.1: 1 of 1,600,506 alleles (0.000062%); highest among the groups gnomAD compares: Non-Finnish European, 0.000085%; no homozygotes.

Submissions (3):

Labcorp Genetics (formerly Invitae), Labcorp
Classification: Uncertain significance for Neurodevelopmental disorder with or without hyperkinetic movements and seizures, autosomal dominant. Last evaluated: 2022-10-17. Review status: criteria provided, single submitter. Criteria: Invitae Variant Classification Sherloc (09022015). Collection method: clinical testing. Allele origin: germline.
Comment: In summary, the available evidence is currently insufficient to determine the role of this variant in disease. Therefore, it has been classified as a Variant of Uncertain Significance. Advanced modeling of protein sequence and biophysical properties (such as structural, functional, and spatial information, amino acid conservation, physicochemical variation, residue mobility, and thermodynamic stability) has been performed at Invitae for this missense variant, however the output from this modeling did not meet the statistical confidence thresholds required to predict the impact of this variant on GRIN1 protein function. This variant has not been reported in the literature in individuals affected with GRIN1-related conditions. The frequency data for this variant in the population databases is considered unreliable, as metrics indicate poor data quality at this position in the gnomAD database. This sequence change replaces aspartic acid, which is acidic and polar, with asparagine, which is neutral and polar, at codon 227 of the GRIN1 protein (p.Asp227Asn).

CeGaT Center for Human Genetics Tuebingen
Classification: Uncertain significance. Last evaluated: 2022-10-01. Review status: criteria provided, single submitter. Criteria: CeGaT Center For Human Genetics Tuebingen Variant Classification Criteria Version 2. Collection method: clinical testing. Allele origin: germline. Affected: yes. Observed: 1 variant allele.
Comment: GRIN1: PM2, PP2, PP3

GeneDx
Classification: Uncertain significance. Last evaluated: 2022-07-08. Review status: criteria provided, single submitter. Criteria: GeneDx Variant Classification Process June 2021. Collection method: clinical testing. Allele origin: germline. Affected: yes.
Comment: In silico analysis supports that this missense variant has a deleterious effect on protein structure/function; Has not been previously published as pathogenic or benign to our knowledge

NM_007327.4(GRIN1):c.679G>A (p.Asp227Asn)

Gene: GRIN1 (glutamate ionotropic receptor NMDA type subunit 1; plus strand). Cytogenetic location: 9q34.3.
Variant type: single nucleotide variant.
Coding change: c.679G>A on transcript NM_007327.4 (MANE Select); coding-DNA position 679, G replaced by A.
Protein change: p.Asp227Asn; replaces aspartic acid 227 with asparagine.
Molecular consequence: missense variant.
Genome position (GRCh38, 1-based): chr9:137,156,676, G>A. VCF-style: chr9-137156676-G-A. GRCh37 (hg19) VCF-style: chr9-140051128-G-A.
Other names: c.679G>A, p.Asp227Asn (NM_000832.7, NM_021569.4); c.742G>A, p.Asp248Asn (NM_001185090.2, NM_001185091.2); short protein forms D227N, D248N.
Identifiers: ClinVar variation 1810463 (VCV001810463.30), dbSNP rs869312865, ClinGen allele CA375714629.